The following is an entry in ClinVar:

ClinVar aggregate classification (germline): Uncertain significance (1 of 4 stars; one submission).

Conditions:
Heart defects, congenital, and other congenital anomalies. Also called: PANCREATIC HYPOPLASIA, CONGENITAL, WITH DIABETES MELLITUS AND CONGENITAL HEART DISEASE; Pancreatic hypoplasia-diabetes-congenital heart disease syndrome. Identifiers: Orphanet 2255, MedGen C2931296, MONDO:0010802, OMIM 600001.

gnomAD v4.1: 1 of 1,614,078 alleles (0.000062%); highest among the groups gnomAD compares: African/African-American, 0.0013%; no homozygotes.

Submission:

Clinical Genomics Laboratory, Washington University in St. Louis
Classification: Uncertain significance for Heart defects, congenital, and other congenital anomalies. Last evaluated: 2024-09-10. Review status: criteria provided, single submitter. Criteria: ACMG Guidelines, 2015. Collection method: clinical testing. Allele origin: germline.
Comment: A GATA6 c.1318C>G (p.Leu440Val) variant was identified in a heterozygous state. This variant, to our knowledge, has not been reported in the medical literature. It is only observed on 1/31,408 alleles in the general population (gnomAD v.2.1.1). Computational predictors are uncertain as to the impact of this variant on GATA6 function. Due to limited information, and based on ACMG/AMP guidelines for variant interpretation (Richards S et al., PMID: 25741868), the clinical significance of this variant is uncertain at this time.

NM_005257.6(GATA6):c.1318C>G (p.Leu440Val)

Gene: GATA6 (GATA binding protein 6; plus strand). Cytogenetic location: 18q11.2.
Variant type: single nucleotide variant.
Coding change: c.1318C>G on transcript NM_005257.6 (MANE Select); coding-DNA position 1318, C replaced by G.
Protein change: p.Leu440Val; replaces leucine 440 with valine.
Molecular consequence: missense variant.
Genome position (GRCh38, 1-based): chr18:22,181,468, C>G. VCF-style: chr18-22181468-C-G. GRCh37 (hg19) VCF-style: chr18-19761429-C-G.
Other names: short protein forms L440V.
Identifiers: ClinVar variation 3600439 (VCV003600439.1).